The following is an entry in ClinVar:

ClinVar aggregate classification (germline): Uncertain significance. Review status: criteria provided, multiple submitters, no conflicts (2 of 4 stars). 2 submissions from 2 submitters: Uncertain significance (2). Last evaluated 2025-03-31.

Allele frequency attached by ClinVar (database versions not stated): gnomAD exomes below 0.00001; gnomAD 0.00002; TOPMed 0.00003.
gnomAD v4.1: 8 of 1,614,066 alleles (0.0005%); highest among the groups gnomAD compares: African/African-American, 0.0067%; no homozygotes.

Submissions (2):

Labcorp Genetics (formerly Invitae), Labcorp
Classification: Uncertain significance. Last evaluated: 2025-03-31. Review status: criteria provided, single submitter. Criteria: Invitae Variant Classification Sherloc (09022015). Collection method: clinical testing. Allele origin: germline.
Comment: This sequence change replaces isoleucine, which is neutral and non-polar, with valine, which is neutral and non-polar, at codon 1316 of the KANK1 protein (p.Ile1316Val). This variant is present in population databases (no rsID available, gnomAD 0.01%). This variant has not been reported in the literature in individuals affected with KANK1-related conditions. ClinVar contains an entry for this variant (Variation ID: 1470643). An algorithm developed to predict the effect of missense changes on protein structure and function (PolyPhen-2) suggests that this variant is likely to be disruptive. In summary, the available evidence is currently insufficient to determine the role of this variant in disease. Therefore, it has been classified as a Variant of Uncertain Significance.

Ambry Genetics
Classification: Uncertain significance. Last evaluated: 2024-04-23. Review status: criteria provided, single submitter. Criteria: Ambry Variant Classification Scheme 2023. Collection method: clinical testing. Allele origin: germline.

NM_015158.5(KANK1):c.3946A>G (p.Ile1316Val)

Gene: KANK1 (KN motif and ankyrin repeat domains 1; plus strand). Cytogenetic location: 9p24.3.
Variant type: single nucleotide variant.
Coding change: c.3946A>G on transcript NM_015158.5 (MANE Select); coding-DNA position 3946, A replaced by G.
Protein change: p.Ile1316Val; replaces isoleucine 1316 with valine.
Molecular consequence: missense variant. On other transcripts: non-coding transcript variant (1).
Genome position (GRCh38, 1-based): chr9:744,539, A>G. VCF-style: chr9-744539-A-G. GRCh37 (hg19) VCF-style: chr9-744539-A-G.
Other names: c.3946A>G, p.Ile1316Val (NM_001354334.2, NM_001256876.3, NM_001256877.3); c.3472A>G, p.Ile1158Val (NM_001354335.2, NM_001354337.2, NM_001354341.2 and 2 more transcripts); c.3178A>G, p.Ile1060Val (NM_001354336.2); c.3418A>G, p.Ile1140Val (NM_001354338.2, NM_001354340.2, NM_001354344.2); c.3232A>G, p.Ile1078Val (NM_001354339.2, NM_001354342.2, NM_001354343.2); c.3946A>G (NM_015158.2); c.3706A>G, p.Ile1236Val (NM_001354331.2); c.3892A>G, p.Ile1298Val (NM_001354332.2); short protein forms I1060V, I1078V, I1140V, I1158V, I1236V, I1316V, I1298V.
Identifiers: ClinVar variation 1470643 (VCV001470643.8), dbSNP rs971050885, ClinGen allele CA187805788.
Genomic context (GRCh38, chr9:744,539, plus strand): 5'-TCTTATCTTAAGGATGGCAGCACTGCGCTCTCAATCGCCCTGGAAGCAGGACACAAGGAC[A>G]TCGCTGTTCTTCTGTATGCCCATGTCAACTTTGCAAAAGCCCAGTCTCCGGTCAGTGTTG-3'
Protein context (NP_055973.2, residues 1306-1326): SIALEAGHKD[Ile1316Val]AVLLYAHVNF